The following is an entry in ClinVar:

NM_004360.5(CDH1):c.2472C>A (p.Ala824=)

Gene: CDH1 (cadherin 1; plus strand). Cytogenetic location: 16q22.1.
Variant type: single nucleotide variant.
Coding change: c.2472C>A on transcript NM_004360.5 (MANE Select); coding-DNA position 2472, C replaced by A.
Protein change: p.Ala824=; no amino-acid change (alanine 824 retained).
Molecular consequence: synonymous variant.
Genome position (GRCh38, 1-based): chr16:68,833,322, C>A. VCF-style: chr16-68833322-C-A. GRCh37 (hg19) VCF-style: chr16-68867225-C-A.
Other names: c.2289C>A, p.Ala763= (NM_001317184.2); c.924C>A, p.Ala308= (NM_001317185.2); c.507C>A, p.Ala169= (NM_001317186.2).
Identifiers: ClinVar variation 821345 (VCV000821345.13), dbSNP rs1596976216, ClinGen allele CA496393034.

ClinVar aggregate classification (germline): Benign/Likely benign. Review status: criteria provided, multiple submitters, no conflicts (2 of 4 stars). 3 submissions from 3 submitters: Benign (1); Likely benign (2). Last evaluated 2024-09-24.

Conditions:
Hereditary cancer-predisposing syndrome. Also called: Hereditary Cancer Syndrome; Neoplastic Syndromes, Hereditary; Hereditary neoplastic syndrome; Tumor predisposition. Identifiers: Orphanet 140162, MedGen C0027672, MeSH D009386, MONDO:0015356.
Hereditary diffuse gastric adenocarcinoma (HDGC). Also called: DIFFUSE GASTRIC AND LOBULAR BREAST CANCER SYNDROME. Identifiers: Orphanet 26106, MedGen C1708349, MONDO:0007648, OMIM 137215.

Allele frequency attached by ClinVar (database versions not stated): gnomAD exomes below 0.00001.
gnomAD v4.1: 1 of 1,614,188 alleles (0.000062%); highest among the groups gnomAD compares: Non-Finnish European, 0.000085%; no homozygotes.

Submissions (3):

Myriad Genetics, Inc.
Classification: Benign for Hereditary diffuse gastric adenocarcinoma. Last evaluated: 2024-09-24. Review status: criteria provided, single submitter. Criteria: Myriad Autosomal Dominant, Autosomal Recessive and X-Linked Classification Criteria (2023). Collection method: clinical testing. Allele origin: unknown.
Comment: This variant is considered benign. This variant is a silent/synonymous amino acid change and it is not expected to impact splicing.

Labcorp Genetics (formerly Invitae), Labcorp
Classification: Likely benign for Hereditary diffuse gastric adenocarcinoma. Last evaluated: 2021-02-19. Review status: criteria provided, single submitter. Criteria: Invitae Variant Classification Sherloc (09022015). Collection method: clinical testing. Allele origin: germline.

Ambry Genetics
Classification: Likely benign for Hereditary cancer-predisposing syndrome. Last evaluated: 2019-06-09. Review status: criteria provided, single submitter. Criteria: Ambry Variant Classification Scheme 2023. Collection method: clinical testing. Allele origin: germline.